The following is an entry in ClinVar:

NM_003060.4(SLC22A5):c.-149G>A

Genes: MIR3936HG (MIR3936 host gene; minus strand), SLC22A5 (solute carrier family 22 member 5; plus strand), LOC129994569 (ATAC-STARR-seq lymphoblastoid silent region 16317; plus strand). Cytogenetic location: 5q31.1.
Variant type: single nucleotide variant.
Coding change: c.-149G>A on transcript NM_003060.4 (MANE Select); 149 bases upstream of the start codon, G replaced by A.
Molecular consequence: 5 prime UTR variant.
Genome position (GRCh38, 1-based): chr5:132,369,824, G>A. VCF-style: chr5-132369824-G-A. GRCh37 (hg19) VCF-style: chr5-131705516-G-A.
Other names: -149G-A; c.-149G>A (NM_001308122.2).
Identifiers: ClinVar variation 25340 (VCV000025340.66), dbSNP rs57262206, ClinGen allele CA342598.

ClinVar aggregate classification (germline): Pathogenic. Review status: criteria provided, multiple submitters, no conflicts (2 of 4 stars). 17 submissions from 17 submitters: Pathogenic (16). 1 of the submissions does not count toward it. Last evaluated 2026-03-28.

Conditions:
SLC22A5-related disorder. Also called: SLC22A5-related condition.
Inborn genetic diseases. Identifiers: MedGen C0950123, MeSH D030342.
Renal carnitine transport defect (CDSP). Also called: Carnitine transporter deficiency; Carnitine Deficiency, Systemic; Primary carnitine deficiency; Systemic primary carnitine deficiency; CARNITINE DEFICIENCY, SYSTEMIC, DUE TO DEFECT IN RENAL REABSORPTION OF CARNITINE; CARNITINE TRANSPORTER, PLASMA-MEMBRANE, DEFICIENCY OF. Identifiers: Orphanet 158, MedGen C0342788, MONDO:0008919, OMIM 212140.

Allele frequency attached by ClinVar (database versions not stated): gnomAD 0.00143 and 0.00144; TOPMed 0.00158; gnomAD exomes 0.00292; 1000 Genomes Project 0.00040; 1000 Genomes Project 30x 0.00078.

Submissions (17):

Dasa
Classification: Pathogenic. Last evaluated: 2026-03-28. Review status: criteria provided, single submitter. Criteria: DASA Assertion Criteria. Collection method: clinical testing. Allele origin: germline.
Comment: NM_003060.4(SLC22A5):c.-149G>A introduces an alternative translation start site affecting gene expression. Functional studies demonstrate a deleterious effect on mRNA transcription (PMID: 31187905). The variant has been recurrently observed in individuals with systemic primary carnitine deficiency (PMID: 31864849). It is present at low frequency in population datasets. Based on the available data, this variant is classified as pathogenic.

PreventionGenetics, part of Exact Sciences
Classification: Pathogenic for SLC22A5-related condition. Last evaluated: 2026-03-25. Review status: criteria provided, single submitter. Criteria: ACMG Guidelines, 2015. Collection method: clinical testing. Allele origin: germline.
Comment: The SLC22A5 c.-149G>A variant is located in the 5' untranslated region. This variant has been reported, in the homozygous or compound heterozygous state, in numerous individuals with primary carnitine deficiency (PCD) (Ferdinandusse et al. 2019. PubMed ID: 31187905; Verbeeten et al. 2020. PubMed ID: 31864849). It was found in the homozygous and apparently compound heterozogous state in several individuals who were classified as having a likely benign form of PCD who were asymptomatic or only had mild symptoms, regardless of treatment. (Crefcoeur et al. 2023. PubMed ID: 37487700). The c.-149G>A variant was predicted to create a novel translation initiation codon upstream of the canonical AUG start codon, and in a functional assay using a luciferase reporter construct, the c.-149G>A variant was found to reduce luciferase activity to 11% of control (Ferdinandusse et al. 2019. PubMed ID: 31187905). Furthermore, carnitine transport activity was reduced in patient fibroblasts with the c.-149G>A variant (Ferdinandusse et al. 2019. PubMed ID: 31187905; Verbeeten et al. 2020. PubMed ID: 31864849). Based on these observations, we classify this variant as pathogenic.

CeGaT Center for Human Genetics Tuebingen
Classification: Pathogenic. Last evaluated: 2026-03-01. Review status: criteria provided, single submitter. Criteria: CeGaT Center For Human Genetics Tuebingen Variant Classification Criteria Version 2. Collection method: clinical testing. Allele origin: germline. Affected: yes. Observed: 8 variant alleles.
Comment: SLC22A5: PM3:Very Strong, PP1:Moderate, PS3:Moderate, PM2:Supporting

Labcorp Genetics (formerly Invitae), Labcorp
Classification: Pathogenic for Renal carnitine transport defect. Last evaluated: 2026-02-02. Review status: criteria provided, single submitter. Criteria: Invitae Variant Classification Sherloc (09022015). Collection method: clinical testing. Allele origin: germline.
Comment: This variant occurs in a non-coding region of the SLC22A5 gene. It does not change the encoded amino acid sequence of the SLC22A5 protein. This variant is present in population databases (rs57262206, gnomAD 0.2%), and has an allele count higher than expected for a pathogenic variant. This variant has been observed in individuals with primary carnitine deficiency (PMID: 31187905). It has also been observed to segregate with disease in related individuals. ClinVar contains an entry for this variant (Variation ID: 25340). Algorithms developed to predict the effect of variants on gene product structure and function are not available or were not evaluated for this variant. Experimental studies have shown that this variant affects SLC22A5 function (PMID: 31187905). For these reasons, this variant has been classified as Pathogenic.

Laboratorio de Genetica e Diagnostico Molecular, Hospital Israelita Albert Einstein
Classification: Pathogenic for Renal carnitine transport defect. Last evaluated: 2025-07-31. Review status: criteria provided, single submitter. Criteria: ACMG Guidelines, 2015. Collection method: clinical testing. Allele origin: germline. Affected: yes.
Comment: ACMG classification criteria: PS3 supporting, PM3 very strong, PP1 strong

Mayo Clinic Laboratories, Mayo Clinic
Classification: Pathogenic. Last evaluated: 2024-11-19. Review status: criteria provided, single submitter. Criteria: ACMG Guidelines, 2015. Collection method: clinical testing. Allele origin: germline. Observed: 11 variant alleles.
Comment: PP1_strong, PS3, PS4

Blueprint Genetics
Classification: Pathogenic for SLC22A5-related disorders. Last evaluated: 2024-09-25. Review status: criteria provided, single submitter. Criteria: ACMG Guidelines, 2015. Collection method: clinical testing. Allele origin: germline. Affected: yes. Observed: 5 variant alleles.

Ambry Genetics
Classification: Pathogenic for Inborn genetic diseases. Last evaluated: 2024-09-23. Review status: criteria provided, single submitter. Criteria: Ambry Variant Classification Scheme 2023. Collection method: clinical testing. Allele origin: germline.
Comment: The c.-149G>A alteration is located in the 5' untranslated region (5'UTR) of the SLC22A5 gene. This alteration consists of a G to A substitution 149 nucleotides upstream from the first translated codon. Based on data from gnomAD, the A allele has an overall frequency of 0.128% (40/31306) total alleles studied. The highest observed frequency was 0.238% (2/842) of Latino alleles. This variant has been identified in the homozygous state and in conjunction with other SLC22A5 variants in individuals with features consistent with systemic primary carnitine deficiency and segregated with disease in at least one family (Ferdinandusse, 2019; Verbeeten, 2020; Ziats, 2021). Functional studies indicated that the variant introduces a functional upstream outofframe translation initiation codon, which suppresses translation from the wildtype ATG of SLC22A5, resulting in lower transport activity. Based on the available evidence, this alteration is classified as pathogenic.

Fulgent Genetics
Classification: Pathogenic for Renal carnitine transport defect. Last evaluated: 2024-02-12. Review status: criteria provided, single submitter. Criteria: ACMG Guidelines, 2015. Collection method: clinical testing. Allele origin: germline.

Clinical Genomics Laboratory, Stanford Medicine
Classification: Pathogenic for Renal carnitine transport defect. Last evaluated: 2023-10-06. Review status: criteria provided, single submitter. Criteria: ACMG Guidelines, 2015. Collection method: clinical testing. Allele origin: germline. Inheritance: Autosomal recessive inheritance. Observed: 1 variant allele, 1 heterozygote.
Comment: The c.-149G>A variant in the SLC22A5 gene has been previously reported in the homozygous or compound heterozygous state in >40 individuals with features of primary carnitine deficiency (PMID: 31187905). This variant also segregated with disease in several affected individuals from one family (PMID: 31864849). This variant has been described in association with a milder phenotype (PMID: 31187905). This variant has been identified in 171/68,006 European non-Finnish chromosomes (215/152,164 chromosomes overall), including 1 homozygous occurrence, by the Genome Aggregation Database. This variant is present in ClinVar (Accession: VCV000025340.59). This variant occurs within the 5’ untranslated region (UTR) of SLC22A5. Functional studies demonstrated that this variant introduces a functional upstream out-of-frame translation initiation codon, which suppresses translation from the wild-type initiation codon and results in reduced protein levels and reduced carnitine transporter activity (PMID: 31187905). These data were assessed using the ACMG/AMP variant interpretation guidelines. In summary, there is sufficient evidence to classify the c.-149G>A variant as pathogenic for autosomal recessive systemic primary carnitine deficiency based on the information above. [ACMG evidence codes used: PS3; PP1_Strong]

Revvity Omics, Revvity
Classification: Pathogenic for Renal carnitine transport defect. Last evaluated: 2023-07-10. Review status: criteria provided, single submitter. Criteria: ACMG Guidelines, 2015. Collection method: clinical testing. Allele origin: germline.

Department of Pathology and Laboratory Medicine, Sinai Health System
Classification: Pathogenic for Renal carnitine transport defect. Last evaluated: 2023-03-20. Review status: criteria provided, single submitter. Criteria: ACMG Guidelines, 2015. Collection method: research. Allele origin: germline.

Women's Health and Genetics/Laboratory Corporation of America, LabCorp
Classification: Pathogenic for Renal carnitine transport defect. Last evaluated: 2022-08-02. Review status: criteria provided, single submitter. Criteria: LabCorp Variant Classification Summary - May 2015. Collection method: clinical testing. Allele origin: germline.
Comment: Variant summary: SLC22A5 c.-149G>A is located in the untranslated mRNA region upstream of the initiation codon. The variant allele was found at a frequency of 0.0014 in 150938 control chromosomes in the gnomAD v3.1.2 database, including 1 homozygote. This frequency is not higher than expected for a pathogenic variant in SLC22A5 causing Systemic Primary Carnitine Deficiency (0.0014 vs 0.0046), allowing no conclusion about variant significance. c.-149G>A has been reported to segregate with carnitine uptake defect in a large family where several affected members were homozygous for the variant of interest (Verbeeten_2020). The variant has also been reported in several other unrelated individuals (homozygous, compound heterozygous and heterozygous) affected with primary carnitine deficiency (Ferdinandusse_2019). Most of the affected patients showed a mild phenotype. Functional studies conducted in patient derived fibroblasts (from homozygous individuals) showed reduced Carnitine transport activity (Verbeeten_2020, Ferdinandusse_2019). Ferdinandusse et al also report that c.-149G>A introduces a functional upstream out-of-frame translation initiation codon and this codon suppresses translation from the wild-type AUG of SLC22A5, resulting in reduced OCTN2 protein levels and therefore, lower OCTN2 transport activity and carnitine deficiency in patients harboring this variant (Ferdinandusse_2019). Seven ClinVar submitters (evaluation after 2014) cite the variant as pathogenic (n=6) or uncertain significance (n=1). Based on the evidence outlined above, the variant was classified as pathogenic.

Genome-Nilou Lab
Classification: Pathogenic for Renal carnitine transport defect. Last evaluated: 2021-07-15. Review status: criteria provided, single submitter. Criteria: ACMG Guidelines, 2015. Collection method: clinical testing. Allele origin: germline. Affected: no.

GeneDx
Classification: Pathogenic. Last evaluated: 2020-12-08. Review status: criteria provided, single submitter. Criteria: GeneDx Variant Classification Process June 2021. Collection method: clinical testing. Allele origin: germline. Affected: yes.
Comment: Reported in the homozygous state and in the presence of a second pathogenic variant in individuals with primary carnitine deficiency (Ferdinandusse et al., 2019); Individuals homozygous for this variant had approximately 31% average carnitine transport activity in fibroblasts compared to controls (Ferdinandusse et al., 2019); In vitro functional studies demonstrate that c.-149G>A introduces an upstream out-of-frame translation initiation codon that causes reduced production of OCTN2 protein (Ferdinandusse et al., 2019); This variant is associated with the following publications: (PMID: 31187905, 31864849, 31980526)

Institute of Medical Genetics and Applied Genomics, University Hospital Tübingen
Classification: Pathogenic. Last evaluated: 2020-10-23. Review status: criteria provided, single submitter. Criteria: ACMG Guidelines, 2015. Collection method: clinical testing. Allele origin: germline. Inheritance: Autosomal recessive inheritance. Affected: yes.

OMIM
Classification: Pathogenic for CARNITINE DEFICIENCY, SYSTEMIC PRIMARY. Last evaluated: 2020-05-22. Review status: no assertion criteria provided. Collection method: literature only. Allele origin: germline. Not counted in ClinVar's aggregate classification.

Literature cited by the submitters: PubMed 31187905 (cited by 6 submitters); PubMed 31864849 (cited by 6 submitters); PubMed 31980526 (cited by Mayo Clinic Laboratories, Mayo Clinic and Women's Health and Genetics/Laboratory Corporation of America, LabCorp); PubMed 34637945 (cited by Mayo Clinic Laboratories, Mayo Clinic and Ambry Genetics).